The following is an entry in ClinVar:

ClinVar aggregate classification (germline): Uncertain significance (1 of 4 stars; one submission).

Allele frequency attached by ClinVar (database versions not stated): gnomAD exomes 0.00002; ExAC 0.00004.

Submission:

Labcorp Genetics (formerly Invitae), Labcorp
Classification: Uncertain significance. Last evaluated: 2022-01-18. Review status: criteria provided, single submitter. Criteria: Invitae Variant Classification Sherloc (09022015). Collection method: clinical testing. Allele origin: germline.
Comment: In summary, the available evidence is currently insufficient to determine the role of this variant in disease. Therefore, it has been classified as a Variant of Uncertain Significance. Algorithms developed to predict the effect of missense changes on protein structure and function output the following: SIFT: "Tolerated"; PolyPhen-2: "Benign"; Align-GVGD: "Class C0". The serine amino acid residue is found in multiple mammalian species, which suggests that this missense change does not adversely affect protein function. This variant has not been reported in the literature in individuals affected with MTPAP-related conditions. This variant is present in population databases (rs749504307, gnomAD 0.02%). This sequence change replaces asparagine, which is neutral and polar, with serine, which is neutral and polar, at codon 102 of the MTPAP protein (p.Asn102Ser).

NM_018109.4(MTPAP):c.305A>G (p.Asn102Ser)

Gene: MTPAP (mitochondrial poly(A) polymerase; minus strand). Cytogenetic location: 10p11.23.
Variant type: single nucleotide variant.
Coding change: c.305A>G on transcript NM_018109.4 (MANE Select); coding-DNA position 305, A replaced by G.
Protein change: p.Asn102Ser; replaces asparagine 102 with serine.
Molecular consequence: missense variant.
Genome position (GRCh38, 1-based): chr10:30,341,493, T>C on the plus strand (A>G on the coding strand, the complement: MTPAP is on the minus strand). VCF-style: chr10-30341493-T-C. GRCh37 (hg19) VCF-style: chr10-30630422-T-C.
Other names: short protein forms N102S.
Identifiers: ClinVar variation 1945953 (VCV001945953.5), dbSNP rs749504307, ClinGen allele CA5459237.